The following is an entry in ClinVar:

NM_000124.4(ERCC6):c.475C>T (p.Pro159Ser)

Gene: ERCC6 (ERCC excision repair 6, chromatin remodeling factor; minus strand). Cytogenetic location: 10q11.23.
Variant type: single nucleotide variant.
Coding change: c.475C>T on transcript NM_000124.4 (MANE Select); coding-DNA position 475, C replaced by T.
Protein change: p.Pro159Ser; replaces proline 159 with serine.
Molecular consequence: missense variant.
Genome position (GRCh38, 1-based): chr10:49,530,788, G>A on the plus strand (C>T on the coding strand, the complement: ERCC6 is on the minus strand). VCF-style: chr10-49530788-G-A. GRCh37 (hg19) VCF-style: chr10-50738834-G-A.
Other names: c.475C>T, p.Pro159Ser (NM_001277058.2, NM_001277059.2, NM_001346440.2); short protein forms P159S.
Identifiers: ClinVar variation 2109044 (VCV002109044.4), dbSNP rs1486809953, ClinGen allele CA376710505.
Genomic context (GRCh38, chr10:49,530,788, plus strand): 5'-ACTTCTGTCGTTTTACAGAATCTAGTTTCCTGTTGATGTCTCTGCTGGTGGCAGCTTGAG[G>A]GCTAAGCTGTTCAATAATTTTATTGATTTGCCTTAGGGATGTCGTACATGACCTGAAAAA-3'
Protein context (NP_000115.1, residues 149-169): QINKIIEQLS[Pro159Ser]QAATSRDINR

ClinVar aggregate classification (germline): Uncertain significance (1 of 4 stars; one submission).

Allele frequency attached by ClinVar (database versions not stated): gnomAD 0.00001; gnomAD exomes 0.00001.
gnomAD v4.1: 11 of 1,613,630 alleles (0.00068%); highest among the groups gnomAD compares: African/African-American, 0.0013%; no homozygotes.

Submission:

Labcorp Genetics (formerly Invitae), Labcorp
Classification: Uncertain significance. Last evaluated: 2023-08-04. Review status: criteria provided, single submitter. Criteria: Invitae Variant Classification Sherloc (09022015). Collection method: clinical testing. Allele origin: germline.
Comment: This variant is present in population databases (no rsID available, gnomAD 0.0009%). In summary, the available evidence is currently insufficient to determine the role of this variant in disease. Therefore, it has been classified as a Variant of Uncertain Significance. Advanced modeling of protein sequence and biophysical properties (such as structural, functional, and spatial information, amino acid conservation, physicochemical variation, residue mobility, and thermodynamic stability) has been performed at Invitae for this missense variant, however the output from this modeling did not meet the statistical confidence thresholds required to predict the impact of this variant on ERCC6 protein function. ClinVar contains an entry for this variant (Variation ID: 2109044). This variant has not been reported in the literature in individuals affected with ERCC6-related conditions. This sequence change replaces proline, which is neutral and non-polar, with serine, which is neutral and polar, at codon 159 of the ERCC6 protein (p.Pro159Ser).